The following is an entry in ClinVar:

NM_001318895.3(FHL2):c.402G>C (p.Gln134His)

Genes: C2orf49 (chromosome 2 open reading frame 49; plus strand), FHL2 (four and a half LIM domains 2; minus strand). Cytogenetic location: 2q12.2.
Variant type: single nucleotide variant.
Coding change: c.402G>C on transcript NM_001318895.3 (MANE Select); coding-DNA position 402, G replaced by C.
Protein change: p.Gln134His; replaces glutamine 134 with histidine.
Molecular consequence: missense variant.
Genome position (GRCh38, 1-based): chr2:105,367,669, C>G on the plus strand (G>C on the coding strand, the complement: FHL2 is on the minus strand). VCF-style: chr2-105367669-C-G. GRCh37 (hg19) VCF-style: chr2-105984126-C-G.
Other names: c.402G>C, p.Gln134His (NM_001039492.3, NM_001318894.1, NM_001318896.2 and 4 more transcripts); c.60G>C, p.Gln20His (NM_001318897.2, NM_001318898.2); c.78G>C, p.Gln26His (NM_001318899.2); short protein forms Q134H, Q20H, Q26H.
Identifiers: ClinVar variation 580581 (VCV000580581.14), dbSNP rs199585402, ClinGen allele CA1814741.

ClinVar aggregate classification (germline): Conflicting classifications of pathogenicity. Review status: criteria provided, conflicting classifications (1 of 4 stars). 3 submissions from 3 submitters: Uncertain significance (1); Benign (1). 1 of the submissions does not count toward it. Last evaluated 2025-12-26.

Conditions:
Primary dilated cardiomyopathy (DCM). Also called: Dilated Cardiomyopathy. Identifiers: Orphanet 217604, MedGen C0007193, MeSH D002311, MONDO:0005021, HP:0001644. Inheritance: Various modes of inheritance.
FHL2-related disorder. Also called: FHL2-related condition.

Allele frequency attached by ClinVar (database versions not stated): TOPMed 0.00010; ExAC 0.00013; ESP Exome Variant Server 0.00015; gnomAD exomes 0.00018.
gnomAD v4.1: 165 of 1,614,098 alleles (0.01%); highest among the groups gnomAD compares: Non-Finnish European, 0.0019%; no homozygotes.

Submissions (3):

Labcorp Genetics (formerly Invitae), Labcorp
Classification: Benign for Primary dilated cardiomyopathy. Last evaluated: 2025-12-26. Review status: criteria provided, single submitter. Criteria: Invitae Variant Classification Sherloc (09022015). Collection method: clinical testing. Allele origin: germline.

Ambry Genetics
Classification: Uncertain significance. Last evaluated: 2021-08-02. Review status: criteria provided, single submitter. Criteria: Ambry Variant Classification Scheme 2023. Collection method: clinical testing. Allele origin: germline.

PreventionGenetics, part of Exact Sciences
Classification: Likely benign for FHL2-related condition. Last evaluated: 2019-07-13. Review status: no assertion criteria provided. Collection method: clinical testing. Allele origin: germline. Not counted in ClinVar's aggregate classification.
Comment: This variant is classified as likely benign based on ACMG/AMP sequence variant interpretation guidelines (Richards et al. 2015 PMID: 25741868, with internal and published modifications).